The following is an entry in ClinVar:

NM_006757.4(TNNT3):c.188G>A (p.Arg63His)

Gene: TNNT3 (troponin T3, fast skeletal type; plus strand). Cytogenetic location: 11p15.5.
Variant type: single nucleotide variant.
Coding change: c.188G>A on transcript NM_006757.4 (MANE Select); coding-DNA position 188, G replaced by A.
Protein change: p.Arg63His; replaces arginine 63 with histidine.
Molecular consequence: missense variant. On other transcripts: 5 prime UTR variant (2).
Genome position (GRCh38, 1-based): chr11:1,933,737, G>A. VCF-style: chr11-1933737-G-A. GRCh37 (hg19) VCF-style: chr11-1954967-G-A.
Other names: c.164G>A, p.Arg55His (NM_001042780.3, NM_001042782.3, NM_001297646.2 and 2 more transcripts); c.182G>A, p.Arg61His (NM_001042781.3, NM_001367842.1, NM_001367843.1); c.197G>A, p.Arg66His (NM_001363561.2, NM_001367847.1); c.221G>A, p.Arg74His (NM_001367846.1); c.185G>A, p.Arg62His (NM_001367848.1); c.176G>A, p.Arg59His (NM_001367849.1); c.131G>A, p.Arg44His (NM_001367850.1); c.-17G>A (NM_001367851.1, NM_001367852.1); short protein forms R63H, R59H, R61H, R66H, R44H, R55H, R62H, R74H.
Identifiers: ClinVar variation 8913 (VCV000008913.69), dbSNP rs121434638, ClinGen allele CA119994.

ClinVar aggregate classification (germline): Pathogenic/Likely pathogenic. Review status: criteria provided, multiple submitters, no conflicts (2 of 4 stars). 21 submissions from 21 submitters: Pathogenic (16); Likely pathogenic (1). 4 of the submissions do not count toward it. Last evaluated 2026-04-28.

Conditions:
TNNT3-related disorder. Also called: TNNT3-related condition.
Sheldon-Hall syndrome. Also called: Freeman Sheldon syndrome, variant. Identifiers: Orphanet 1147, MedGen C1834523, MONDO:0011128.
Arthrogryposis, distal, type 2B2. Identifiers: MedGen C5193097, MONDO:0032750, OMIM 618435.

Allele frequency attached by ClinVar (database versions not stated): gnomAD exomes below 0.00001.

Submissions 1 to 11 of 21:

Dasa
Classification: Pathogenic. Last evaluated: 2026-04-28. Review status: criteria provided, single submitter. Criteria: DASA Assertion Criteria. Collection method: clinical testing. Allele origin: germline.
Comment: NM_006757.4(TNNT3):c.188G>A (p.Arg63His) introduces an arginine-to-histidine substitution at a residue with other pathogenic changes, reported in multiple individuals with distal arthrogryposis type 2B2 (PMID: 36968005). Additionally, it is present at low frequency in population datasets. Based on the available data, this variant is classified as pathogenic.

3billion
Classification: Pathogenic for Arthrogryposis, distal, type 2B2. Last evaluated: 2025-11-14. Review status: criteria provided, single submitter. Criteria: ACMG Guidelines, 2015. Collection method: clinical testing. Allele origin: germline. Affected: yes.
Comment: The variant is observed at an extremely low frequency in the gnomAD v4.1.0 dataset (total allele frequency: <0.001%). Predicted Consequence/Location: Missense variant. Missense changes are a common disease-causing mechanism. In silico tool predictions suggest damaging effect of the variant on gene or gene product [REVEL: 0.96 (>=0.6, sensitivity 0.68 and specificity 0.92); 3Cnet: 0.99 (> 0.75, sensitivity 0.96 and precision 0.92)]. The same nucleotide change resulting in the same amino acid change has been previously reported as pathogenic/likely pathogenic with strong evidence (ClinVar ID: VCV000008913 /PMID: 12865991 /3billion dataset). Different missense changes at the same codon (p.Arg63Cys, p.Arg63Ser) have been reported as pathogenic/likely pathogenic with strong evidence (ClinVar ID: VCV000031874, VCV001172549 /PMID: 21402185, 23401156 /3billion dataset). Therefore, this variant is classified as Pathogenic according to the recommendation of ACMG/AMP guideline.

Institute of Human Genetics, Heidelberg University
Classification: Pathogenic for Arthrogryposis, distal, type 2B2. Last evaluated: 2025-09-25. Review status: criteria provided, single submitter. Criteria: ACMG Guidelines, 2015. Collection method: clinical testing. Allele origin: unknown. Affected: yes. Observed: 1 variant allele.
Comment: PS4_mod, PM2_supp, PM5, PP1, PP3_str

Labcorp Genetics (formerly Invitae), Labcorp
Classification: Pathogenic. Last evaluated: 2025-06-11. Review status: criteria provided, single submitter. Criteria: Invitae Variant Classification Sherloc (09022015). Collection method: clinical testing. Allele origin: germline.
Comment: This sequence change replaces arginine, which is basic and polar, with histidine, which is basic and polar, at codon 63 of the TNNT3 protein (p.Arg63His). This variant is not present in population databases (gnomAD no frequency). This missense change has been observed in individual(s) with distal arthrogryposis (PMID: 12865991, 19142688, 31974414). In at least one individual the variant was observed to be de novo. It has also been observed to segregate with disease in related individuals. ClinVar contains an entry for this variant (Variation ID: 8913). An algorithm developed to predict the effect of missense changes on protein structure and function (PolyPhen-2) suggests that this variant is likely to be disruptive. For these reasons, this variant has been classified as Pathogenic.

PreventionGenetics, part of Exact Sciences
Classification: Pathogenic for TNNT3-related condition. Last evaluated: 2025-04-02. Review status: criteria provided, single submitter. Criteria: ACMG Guidelines, 2015. Collection method: clinical testing. Allele origin: germline.
Comment: The TNNT3 c.188G>A variant is predicted to result in the amino acid substitution p.Arg63His. This variant has been reported in many unrelated individuals to be causative for dominant distal arthrogryposis type 2B (Sung et al. 2003. PubMedID: 12865991; Beck et al. 2013. PubMedID: 23401156; Daly et al. 2014. PubMedID: 25337069; Gurnett et al. 2009. PubMedID: 19142688; Laquérriere et al. 2014. PubMedID: 24319099). This variant has not been reported in a large population database, indicating this variant is rare. This variant is interpreted as pathogenic.

Blueprint Genetics
Classification: Pathogenic for TNNT3-related disorders. Last evaluated: 2024-07-04. Review status: criteria provided, single submitter. Criteria: ACMG Guidelines, 2015. Collection method: clinical testing. Allele origin: germline. Affected: yes. Observed: 5 variant alleles.

New York Genome Center
Classification: Pathogenic for Arthrogryposis, distal, type 2B2. Last evaluated: 2024-06-04. Review status: criteria provided, single submitter. Criteria: NYGC Assertion Criteria 2020. Collection method: clinical testing. Allele origin: inherited, de novo. Affected: yes. Observed: 2 variant alleles, 2 heterozygotes. Clinical features observed: Aplasia/Hypoplasia of the phalanges of the hand (HP:0009767), Aplasia/Hypoplasia of the phalanges of the 3rd finger (HP:0009447), Aplasia/Hypoplasia of the phalanges of the 4th finger (HP:0009408), Aplasia/Hypoplasia of the phalanges of the 2nd finger (HP:0009552), Micrognathia (HP:0000347), Congenital vertical talus (HP:0001838), Hand clenching (HP:0001188). Study: PrenatalSEQ.
Comment: The heterozygous c.188G>A variant identified in the TNNT3 gene has been reported in multiple individuals affected with distal arthrogryposis syndrome 2b [PMID:25337069, 32779773, 31974414, 23401156, 12865991] and it has been deposited in ClinVar as pathogenic/likely pathogenic by multiple independent laboratories [ClinVar ID: 8913]. Moreover, the c.188G>A p(Arg63His) co-segregated with distal arthrogryposis with variable expressivity in one large family in which a subset of affected individuals carrying this variant had very subtle clinical manifestations [PMID: 25337069]. This variant has 6.200e-7 allelefrequency in the gnomADv4.1.0 database (1 heterozygous allele out of 1,612,910 total alleles) suggesting it is not a common benign variant in the populations represented in that database. The c.188G>A variant in TNNT3 is located in exon 10 of this 16-exon gene and is predicted to replace an evolutionarily conserved arginine amino acid with histidine at position 63 (p.(Arg63His)) in the encoded protein. In silico algorithms predict this variant to be damaging to the canonical transcript (REVEL; score=0.959). Functional studies suggest that the p.(Arg63His) variant significantly enhances ATPase activity and increases calcium sensitivity[PMID:17194691]. Two different missense variants [p.(Arg63Cys) and p.(Arg63Ser)] affecting the same amino acid have been reported in literature in individuals affected with distal arthrogryposis syndrome 2b [PMID: 36968005, 23401156]. Based on available evidence, this c.188G>Ap(Arg63His) variant identified in TNNT3 is classified as Pathogenic.

Women's Health and Genetics/Laboratory Corporation of America, LabCorp
Classification: Pathogenic for Arthrogryposis, distal, type 2B2. Last evaluated: 2023-08-23. Review status: criteria provided, single submitter. Criteria: LabCorp Variant Classification Summary - May 2015. Collection method: clinical testing. Allele origin: germline.
Comment: Variant summary: TNNT3 c.188G>A (p.Arg63His) results in a non-conservative amino acid change in the encoded protein sequence, altering a highly conserved residue (HGMD) in which two other missense variants (p.Arg63Cys, p.Arg63Ser) have been classified as pathogenic or likely pathogenic by ClinVar submitters. Five of five in-silico tools predict a damaging effect of the variant on protein function. The variant was absent in 249900 control chromosomes (gnomAD). c.188G>A has been reported in the literature in multiple individuals affected with distal arthrogryposis type 1 and 2b (Sung_2003, Gurnett_2009, Laquerriere_2014, Vora_2020). These data indicate that the variant is very likely to be associated with disease. The following publications have been ascertained in the context of this evaluation (PMID: 19142688, 12865991, 24319099, 31974414). Six submitters have cited clinical-significance assessments for this variant to ClinVar after 2014. All submitters classified the variant as pathogenic. Based on the evidence outlined above, the variant was classified as pathogenic.

Clinical Genetics Laboratory, Skane University Hospital Lund
Classification: Pathogenic. Last evaluated: 2023-08-10. Review status: criteria provided, single submitter. Criteria: ACMG Guidelines, 2015. Collection method: clinical testing. Allele origin: germline. Affected: yes.

MGZ Medical Genetics Center
Classification: Pathogenic for Arthrogryposis, distal, type 2B2. Last evaluated: 2022-02-14. Review status: criteria provided, single submitter. Criteria: ACMG Guidelines, 2015. Collection method: clinical testing. Allele origin: germline. Affected: yes. Observed: 1 variant allele.
Comment: ACMG criteria applied: PS3, PS4, PP1, PP3

Institute for Clinical Genetics, University Hospital TU Dresden, University Hospital TU Dresden
Classification: Pathogenic. Last evaluated: 2021-11-30. Review status: criteria provided, single submitter. Criteria: ACMG Guidelines, 2015. Collection method: clinical testing. Allele origin: germline.
Comment: PP3, PM5, PP4, PS4, PM2_SUP, PP1